The following is an entry in ClinVar:

NM_001381865.2(RCC1):c.649C>T (p.Arg217Trp)

Gene: RCC1 (regulator of chromosome condensation 1; plus strand). Cytogenetic location: 1p35.3.
Variant type: single nucleotide variant.
Coding change: c.649C>T on transcript NM_001381865.2 (MANE Select); coding-DNA position 649, C replaced by T.
Protein change: p.Arg217Trp; replaces arginine 217 with tryptophan.
Molecular consequence: missense variant.
Genome position (GRCh38, 1-based): chr1:28,535,368, C>T. VCF-style: chr1-28535368-C-T. GRCh37 (hg19) VCF-style: chr1-28861880-C-T.
Other names: c.742C>T, p.Arg248Trp (NM_001048194.4); c.700C>T, p.Arg234Trp (NM_001048195.4); c.649C>T, p.Arg217Trp (NM_001048199.3, NM_001269.6, NM_001381866.2); short protein forms R234W, R217W, R248W.
Identifiers: ClinVar variation 3431608 (VCV003431608.2).

ClinVar aggregate classification (germline): Uncertain significance. Review status: criteria provided, single submitter (1 of 4 stars). 2 submissions from 2 submitters: Uncertain significance (1). 1 of the submissions does not count toward it. Last evaluated 2024-11-24.

Conditions:
Infection-induced acute-onset axonal neuropathy. Identifiers: MedGen C6065907, MONDO:0979881, OMIM 621333.

gnomAD v4.1: 1 of 1,614,118 alleles (0.000062%); highest among the groups gnomAD compares: Non-Finnish European, 0.000085%; no homozygotes.

Submissions (2):

Ambry Genetics
Classification: Uncertain significance. Last evaluated: 2024-11-24. Review status: criteria provided, single submitter. Criteria: Ambry Variant Classification Scheme 2023. Collection method: clinical testing. Allele origin: germline.

Newman Lab, University of Manchester
Classification: Likely pathogenic for Infection-induced acute-onset axonal neuropathy. Last evaluated: 2026-04-09. Review status: no assertion criteria provided. Collection method: research, in vitro. Allele origin: biparental, not applicable. Inheritance: Autosomal recessive inheritance. Affected: yes. Functional consequence: loss of function. Not counted in ClinVar's aggregate classification.
Comment: Not observed at significant frequency in large population cohorts (gnomAD v4.0); CADD score deleterious; functional assay - altered nucleocytoplasmic transport